The following is an entry in ClinVar:

ClinVar aggregate classification (germline): Uncertain significance. Review status: criteria provided, multiple submitters, no conflicts (2 of 4 stars). 2 submissions from 2 submitters: Uncertain significance (2). Last evaluated 2026-02-13.

Allele frequency attached by ClinVar (database versions not stated): gnomAD 0.00001; TOPMed 0.00001; ExAC 0.00002.
gnomAD v4.1: 10 of 1,614,052 alleles (0.00062%); highest among the groups gnomAD compares: Admixed American, 0.015%; no homozygotes.

Submissions (2):

Women's Health and Genetics/Laboratory Corporation of America, LabCorp
Classification: Uncertain significance. Last evaluated: 2026-02-13. Review status: criteria provided, single submitter. Criteria: LabCorp Variant Classification Summary - May 2015. Collection method: clinical testing. Allele origin: germline.
Comment: Variant summary: FAT4 c.3853A>T (p.Ile1285Phe) results in a non-conservative amino acid change in the encoded protein sequence. Algorithms developed to predict the effect of missense changes on protein structure and function are either unavailable or do not agree on the potential impact of this missense change. The variant allele was found at a frequency of 2.8e-05 in 249410 control chromosomes. The available data on variant occurrences in the general population are insufficient to allow any conclusion about variant significance. To our knowledge, no occurrence of c.3853A>T in individuals affected with FAT4-related conditions and no experimental evidence demonstrating its impact on protein function have been reported. ClinVar contains an entry for this variant (Variation ID: 2069035). Based on the evidence outlined above, the variant was classified as uncertain significance.

Labcorp Genetics (formerly Invitae), Labcorp
Classification: Uncertain significance. Last evaluated: 2022-04-13. Review status: criteria provided, single submitter. Criteria: Invitae Variant Classification Sherloc (09022015). Collection method: clinical testing. Allele origin: germline.
Comment: This sequence change replaces isoleucine, which is neutral and non-polar, with phenylalanine, which is neutral and non-polar, at codon 1285 of the FAT4 protein (p.Ile1285Phe). This variant is present in population databases (rs772448981, gnomAD 0.02%). This variant has not been reported in the literature in individuals affected with FAT4-related conditions. Advanced modeling of protein sequence and biophysical properties (such as structural, functional, and spatial information, amino acid conservation, physicochemical variation, residue mobility, and thermodynamic stability) performed at Invitae indicates that this missense variant is not expected to disrupt FAT4 protein function. In summary, the available evidence is currently insufficient to determine the role of this variant in disease. Therefore, it has been classified as a Variant of Uncertain Significance.

NM_001291303.3(FAT4):c.3853A>T (p.Ile1285Phe)

Gene: FAT4 (FAT atypical cadherin 4; plus strand). Cytogenetic location: 4q28.1.
Variant type: single nucleotide variant.
Coding change: c.3853A>T on transcript NM_001291303.3 (MANE Select); coding-DNA position 3853, A replaced by T.
Protein change: p.Ile1285Phe; replaces isoleucine 1285 with phenylalanine.
Molecular consequence: missense variant.
Genome position (GRCh38, 1-based): chr4:125,320,264, A>T. VCF-style: chr4-125320264-A-T. GRCh37 (hg19) VCF-style: chr4-126241419-A-T.
Other names: c.3853A>T, p.Ile1285Phe (NM_001291285.3, NM_024582.6); short protein forms I1285F.
Identifiers: ClinVar variation 2069035 (VCV002069035.2), dbSNP rs772448981, ClinGen allele CA3072376.